The following is an entry in ClinVar:

ClinVar aggregate classification (germline): Uncertain significance (1 of 4 stars; one submission).

gnomAD v4.1: 4 of 1,613,978 alleles (0.00025%); highest among the groups gnomAD compares: Non-Finnish European, 0.00034%; no homozygotes.

Submission:

Labcorp Genetics (formerly Invitae), Labcorp
Classification: Uncertain significance. Last evaluated: 2024-01-29. Review status: criteria provided, single submitter. Criteria: Invitae Variant Classification Sherloc (09022015). Collection method: clinical testing. Allele origin: germline.
Comment: This sequence change affects codon 2197 of the FLNB mRNA. It is a 'silent' change, meaning that it does not change the encoded amino acid sequence of the FLNB protein. This variant is present in population databases (no rsID available, gnomAD 0.007%). This variant has not been reported in the literature in individuals affected with FLNB-related conditions. Algorithms developed to predict the effect of sequence changes on RNA splicing suggest that this variant may disrupt the consensus splice site. In summary, the available evidence is currently insufficient to determine the role of this variant in disease. Therefore, it has been classified as a Variant of Uncertain Significance.

NM_001457.4(FLNB):c.6589C>A (p.Arg2197=)

Gene: FLNB (filamin B; plus strand). Cytogenetic location: 3p14.3.
Variant type: single nucleotide variant.
Coding change: c.6589C>A on transcript NM_001457.4 (MANE Select); coding-DNA position 6589, C replaced by A.
Protein change: p.Arg2197=; no amino-acid change (arginine 2197 retained).
Molecular consequence: synonymous variant.
Genome position (GRCh38, 1-based): chr3:58,153,596, C>A. VCF-style: chr3-58153596-C-A. GRCh37 (hg19) VCF-style: chr3-58139323-C-A.
Other names: c.6682C>A, p.Arg2228= (NM_001164317.2); c.6556C>A, p.Arg2186= (NM_001164318.2); c.6517C>A, p.Arg2173= (NM_001164319.2).
Identifiers: ClinVar variation 3022958 (VCV003022958.3), dbSNP rs201211965, ClinGen allele CA434144897.